The following is an entry in ClinVar:

NM_176824.3(BBS7):c.1306-5C>T

Gene: BBS7 (Bardet-Biedl syndrome 7; minus strand). Cytogenetic location: 4q27.
Variant type: single nucleotide variant.
Coding change: c.1306-5C>T on transcript NM_176824.3 (MANE Select); 5 bases into the intron before coding-DNA position 1306, C replaced by T.
Molecular consequence: intron variant.
Genome position (GRCh38, 1-based): chr4:121,839,701, G>A on the plus strand (C>T on the coding strand, the complement: BBS7 is on the minus strand). VCF-style: chr4-121839701-G-A. GRCh37 (hg19) VCF-style: chr4-122760856-G-A.
Other names: c.1306-5C>T (NM_018190.4).
Identifiers: ClinVar variation 899916 (VCV000899916.9), dbSNP rs1475632900, ClinGen allele CA554186486.
Genomic context (GRCh38, chr4:121,839,701, plus strand): 5'-AGCCTTGTAGTATCTGCCTGGCACCGATAAGTGGCAAGAAGGAAGTTGTCGTTTGACTGG[G>A]AAGAATACAAAGTGGAGGAAAAGAATGAATCCATGTTTTTAGCAACAAAAAAAAGACATC-3'

ClinVar aggregate classification (germline): Conflicting classifications of pathogenicity. Review status: criteria provided, conflicting classifications (1 of 4 stars). 3 submissions from 3 submitters: Uncertain significance (1); Likely benign (2). Last evaluated 2025-03-26.

Conditions:
BBS7-related disorder. Also called: BBS7-related condition.
Bardet-Biedl syndrome (BBS). Identifiers: Orphanet 110, MedGen C0752166, MONDO:0015229.
Bardet-Biedl syndrome 7 (BBS7). Identifiers: Orphanet 110, MedGen C1859565, MONDO:0014435, OMIM 615984.

Allele frequency attached by ClinVar (database versions not stated): gnomAD 0.00001; gnomAD exomes 0.00001; TOPMed 0.00001.
gnomAD v4.1: 22 of 1,611,984 alleles (0.0014%); highest among the groups gnomAD compares: Non-Finnish European, 0.0017%; no homozygotes.

Submissions (3):

PreventionGenetics, part of Exact Sciences
Classification: Likely benign for BBS7-related condition. Last evaluated: 2025-03-26. Review status: criteria provided, single submitter. Criteria: ACMG Guidelines, 2015. Collection method: clinical testing. Allele origin: germline.
Comment: This variant is classified as likely benign based on ACMG/AMP sequence variant interpretation guidelines (Richards et al. 2015 PMID: 25741868, with internal and published modifications).

Labcorp Genetics (formerly Invitae), Labcorp
Classification: Likely benign for Bardet-Biedl syndrome. Last evaluated: 2023-10-07. Review status: criteria provided, single submitter. Criteria: Invitae Variant Classification Sherloc (09022015). Collection method: clinical testing. Allele origin: germline.

Illumina Laboratory Services, Illumina
Classification: Uncertain significance for Bardet-Biedl syndrome 7. Last evaluated: 2018-01-12. Review status: criteria provided, single submitter. Criteria: ICSL Variant Classification Criteria 13 December 2019. Collection method: clinical testing. Allele origin: germline.